The following is an entry in ClinVar:

NM_022168.4(IFIH1):c.1525-105C>G

Gene: IFIH1 (interferon induced with helicase C domain 1; minus strand). Cytogenetic location: 2q24.2.
Variant type: single nucleotide variant.
Coding change: c.1525-105C>G on transcript NM_022168.4 (MANE Select); 105 bases into the intron before coding-DNA position 1525, C replaced by G.
Molecular consequence: intron variant.
Genome position (GRCh38, 1-based): chr2:162,280,217, G>C on the plus strand (C>G on the coding strand, the complement: IFIH1 is on the minus strand). VCF-style: chr2-162280217-G-C. GRCh37 (hg19) VCF-style: chr2-163136727-G-C.
Identifiers: ClinVar variation 1220848 (VCV001220848.5), dbSNP rs2287293, ClinGen allele CA11324118.

ClinVar aggregate classification (germline): Benign. Review status: criteria provided, multiple submitters, no conflicts (2 of 4 stars). 2 submissions from 2 submitters: Benign (2). Last evaluated 2023-11-12.

Allele frequency attached by ClinVar (database versions not stated): gnomAD exomes 0.04557; gnomAD 0.12582 and 0.13096; TOPMed 0.15635; 1000 Genomes Project 0.16054; 1000 Genomes Project 30x 0.16521.
gnomAD v4.1: 42,962 of 669,300 alleles (6.4%); highest among the groups gnomAD compares: African/African-American, 32%; 5,105 homozygotes.

Submissions (2):

Unidad de Genómica Garrahan, Hospital de Pediatría Garrahan
Classification: Benign. Last evaluated: 2023-11-12. Review status: criteria provided, single submitter. Criteria: ACMG Guidelines, 2015. Collection method: clinical testing. Allele origin: germline. Affected: no. Observed: 21 variant alleles.
Comment: This variant is classified as Benign based on local population frequency. This variant was detected in 22% of patients studied by a panel of primary immunodeficiencies. Number of patients: 21. Only high quality variants are reported.

GeneDx
Classification: Benign. Last evaluated: 2021-04-03. Review status: criteria provided, single submitter. Criteria: GeneDx Variant Classification Process June 2021. Collection method: clinical testing. Allele origin: germline. Affected: yes.